The following is an entry in ClinVar:

ClinVar aggregate classification (germline): Benign. Review status: criteria provided, multiple submitters, no conflicts (2 of 4 stars). 6 submissions from 6 submitters: Benign (6). Last evaluated 2026-02-03.

Conditions:
Retinal dystrophy. Also called: Inherited retinal dystrophy. Identifiers: Orphanet 71862, MedGen C0854723, MeSH D058499, MONDO:0019118, HP:0000556.
Retinitis pigmentosa 38 (RP38). Also called: ROD-CONE DYSTROPHY, CHILDHOOD-ONSET. Identifiers: Orphanet 791, MedGen C3151228, MONDO:0013469, OMIM 613862.
Retinitis pigmentosa (RP). Identifiers: Orphanet 791, MedGen C0035334, MeSH D012174, MONDO:0019200, OMIM 268000. Inheritance: Autosomal dominant, autosomal recessive and X linked inheritance.

Allele frequency attached by ClinVar (database versions not stated): 1000 Genomes Project 0.19050; 1000 Genomes Project 30x 0.19129; TOPMed 0.22499; gnomAD 0.22888 and 0.23034; gnomAD exomes 0.23732 and 0.27930; ExAC 0.23852; ESP Exome Variant Server 0.24965.
gnomAD v4.1: 442,559 of 1,613,214 alleles (27%); highest among the groups gnomAD compares: Middle Eastern, 31%; 63,262 homozygotes.

Submissions (6):

Labcorp Genetics (formerly Invitae), Labcorp
Classification: Benign. Last evaluated: 2026-02-03. Review status: criteria provided, single submitter. Criteria: Invitae Variant Classification Sherloc (09022015). Collection method: clinical testing. Allele origin: germline.

Blueprint Genetics
Classification: Benign. Last evaluated: 2024-11-26. Review status: criteria provided, single submitter. Criteria: ACMG Guidelines, 2015. Collection method: clinical testing. Allele origin: germline.

Dept Of Ophthalmology, Nagoya University
Classification: Benign for Retinal dystrophy. Last evaluated: 2023-10-01. Review status: criteria provided, single submitter. Criteria: Submitter's publication. Collection method: research. Allele origin: germline. Affected: yes.

Genome-Nilou Lab
Classification: Benign for Retinitis pigmentosa 38. Last evaluated: 2021-09-05. Review status: criteria provided, single submitter. Criteria: ACMG Guidelines, 2015. Collection method: clinical testing. Allele origin: germline. Affected: no.

Illumina Laboratory Services, Illumina
Classification: Benign for Retinitis pigmentosa. Last evaluated: 2018-01-12. Review status: criteria provided, single submitter. Criteria: ICSL Variant Classification Criteria 13 December 2019. Collection method: clinical testing. Allele origin: germline.
Comment: This variant was observed in the ICSL laboratory as part of a predisposition screen in an ostensibly healthy population. It had not been previously curated by ICSL or reported in the Human Gene Mutation Database (HGMD: prior to June 1st, 2018), and was therefore a candidate for classification through an automated scoring system. Utilizing variant allele frequency, disease prevalence and penetrance estimates, and inheritance mode, an automated score was calculated to assess if this variant is too frequent to cause the disease. Based on the score and internal cut-off values, a variant classified as benign is not then subjected to further curation. The score for this variant resulted in a classification of benign for this disease.

Breakthrough Genomics
Classification: Benign. Review status: criteria provided, single submitter. Criteria: ACMG Guidelines, 2015. Collection method: not provided. Allele origin: germline. Inheritance: Autosomal recessive inheritance. Affected: yes.

NM_006343.3(MERTK):c.1494C>T (p.Asn498=)

Gene: MERTK (MER proto-oncogene, tyrosine kinase; plus strand). Cytogenetic location: 2q13.
Variant type: single nucleotide variant.
Coding change: c.1494C>T on transcript NM_006343.3 (MANE Select); coding-DNA position 1494, C replaced by T.
Protein change: p.Asn498=; no amino-acid change (asparagine 498 retained).
Molecular consequence: synonymous variant.
Genome position (GRCh38, 1-based): chr2:111,997,366, C>T. VCF-style: chr2-111997366-C-T. GRCh37 (hg19) VCF-style: chr2-112754943-C-T.
Identifiers: ClinVar variation 330758 (VCV000330758.18), dbSNP rs3811634, ClinGen allele CA1831447.